The following is an entry in ClinVar:

NM_014956.5(CEP164):c.4027A>G (p.Arg1343Gly)

Gene: CEP164 (centrosomal protein 164; plus strand). Cytogenetic location: 11q23.3.
Variant type: single nucleotide variant.
Coding change: c.4027A>G on transcript NM_014956.5 (MANE Select); coding-DNA position 4027, A replaced by G.
Protein change: p.Arg1343Gly; replaces arginine 1343 with glycine.
Molecular consequence: missense variant.
Genome position (GRCh38, 1-based): chr11:117,409,896, A>G. VCF-style: chr11-117409896-A-G. GRCh37 (hg19) VCF-style: chr11-117280612-A-G.
Other names: c.4012A>G, p.Arg1338Gly (NM_001271933.2); c.4027A>G (NM_014956.4); short protein forms R1338G, R1343G.
Identifiers: ClinVar variation 1489903 (VCV001489903.7), dbSNP rs748810265, ClinGen allele CA6295651.

ClinVar aggregate classification (germline): Uncertain significance. Review status: criteria provided, multiple submitters, no conflicts (2 of 4 stars). 2 submissions from 2 submitters: Uncertain significance (2). Last evaluated 2024-01-25.

Conditions:
Nephronophthisis 15 (NPHP15). Identifiers: Orphanet 3156, MedGen C3541853, MONDO:0013917, OMIM 614845.
Inborn genetic diseases. Identifiers: MedGen C0950123, MeSH D030342.

Allele frequency attached by ClinVar (database versions not stated): gnomAD exomes below 0.00001 and 0.00001; TOPMed below 0.00001; ExAC 0.00001; gnomAD 0.00001 and 0.00002.
gnomAD v4.1: 5 of 1,602,548 alleles (0.00031%); highest among the groups gnomAD compares: Middle Eastern, 0.017%; no homozygotes.

Submissions (2):

Labcorp Genetics (formerly Invitae), Labcorp
Classification: Uncertain significance for Nephronophthisis 15. Last evaluated: 2024-01-25. Review status: criteria provided, single submitter. Criteria: Invitae Variant Classification Sherloc (09022015). Collection method: clinical testing. Allele origin: germline.
Comment: This sequence change replaces arginine, which is basic and polar, with glycine, which is neutral and non-polar, at codon 1343 of the CEP164 protein (p.Arg1343Gly). This variant is present in population databases (rs748810265, gnomAD 0.0009%). This variant has not been reported in the literature in individuals affected with CEP164-related conditions. ClinVar contains an entry for this variant (Variation ID: 1489903). Advanced modeling of protein sequence and biophysical properties (such as structural, functional, and spatial information, amino acid conservation, physicochemical variation, residue mobility, and thermodynamic stability) performed at Invitae indicates that this missense variant is not expected to disrupt CEP164 protein function with a negative predictive value of 80%. In summary, the available evidence is currently insufficient to determine the role of this variant in disease. Therefore, it has been classified as a Variant of Uncertain Significance.

Ambry Genetics
Classification: Uncertain significance for Inborn genetic diseases. Last evaluated: 2021-07-16. Review status: criteria provided, single submitter. Criteria: Ambry Variant Classification Scheme 2023. Collection method: clinical testing. Allele origin: germline.